The following is an entry in ClinVar:

NM_001458.5(FLNC):c.1607A>G (p.Glu536Gly)

Gene: FLNC (filamin C; plus strand). Cytogenetic location: 7q32.1.
Variant type: single nucleotide variant.
Coding change: c.1607A>G on transcript NM_001458.5 (MANE Select); coding-DNA position 1607, A replaced by G.
Protein change: p.Glu536Gly; replaces glutamic acid 536 with glycine.
Molecular consequence: missense variant.
Genome position (GRCh38, 1-based): chr7:128,840,605, A>G. VCF-style: chr7-128840605-A-G. GRCh37 (hg19) VCF-style: chr7-128480659-A-G.
Other names: c.1607A>G, p.Glu536Gly (NM_001127487.2); short protein forms E536G.
Identifiers: ClinVar variation 1388793 (VCV001388793.6), dbSNP rs2128935033, ClinGen allele CA369226610.

ClinVar aggregate classification (germline): Uncertain significance (1 of 4 stars; one submission).

Conditions:
Distal myopathy with posterior leg and anterior hand involvement. Also called: WILLIAMS DISTAL MYOPATHY. Identifiers: Orphanet 63273, MedGen C3279722, MONDO:0013550, OMIM 614065.
Myofibrillar myopathy 5. Also called: FILAMINOPATHY, AUTOSOMAL DOMINANT; Filaminopathy (type). Identifiers: Orphanet 171445, MedGen C1836050, MONDO:0012289, OMIM 609524.
Hypertrophic cardiomyopathy 26. Also called: Cardiomyopathy, familial hypertrophic, 26. Identifiers: Orphanet 75249, MedGen C4310749, MONDO:0014883, OMIM 617047.

Submission:

Labcorp Genetics (formerly Invitae), Labcorp
Classification: Uncertain significance for Distal myopathy with posterior leg and anterior hand involvement; Myofibrillar myopathy 5; Hypertrophic cardiomyopathy 26. Last evaluated: 2021-10-23. Review status: criteria provided, single submitter. Criteria: Invitae Variant Classification Sherloc (09022015). Collection method: clinical testing. Allele origin: germline.
Comment: This variant is not present in population databases (ExAC no frequency). This sequence change replaces glutamic acid with glycine at codon 536 of the FLNC protein (p.Glu536Gly). The glutamic acid residue is moderately conserved and there is a moderate physicochemical difference between glutamic acid and glycine. This variant has not been reported in the literature in individuals affected with FLNC-related conditions. In summary, the available evidence is currently insufficient to determine the role of this variant in disease. Therefore, it has been classified as a Variant of Uncertain Significance. Algorithms developed to predict the effect of missense changes on protein structure and function are either unavailable or do not agree on the potential impact of this missense change (SIFT: "Deleterious"; PolyPhen-2: "Benign"; Align-GVGD: "Class C0").